The following is an entry in ClinVar:

NM_024301.5(FKRP):c.1141G>C (p.Ala381Pro)

Gene: FKRP (fukutin related protein; plus strand). Cytogenetic location: 19q13.32.
Variant type: single nucleotide variant.
Coding change: c.1141G>C on transcript NM_024301.5 (MANE Select); coding-DNA position 1141, G replaced by C.
Protein change: p.Ala381Pro; replaces alanine 381 with proline.
Molecular consequence: missense variant.
Genome position (GRCh38, 1-based): chr19:46,756,591, G>C. VCF-style: chr19-46756591-G-C. GRCh37 (hg19) VCF-style: chr19-47259848-G-C.
Other names: c.1141G>C, p.Ala381Pro (NM_001039885.3); short protein forms A381P.
Identifiers: ClinVar variation 528821 (VCV000528821.10), dbSNP rs1031408738, ClinGen allele CA406496733.

ClinVar aggregate classification (germline): Uncertain significance. Review status: criteria provided, multiple submitters, no conflicts (2 of 4 stars). 2 submissions from 2 submitters: Uncertain significance (2). Last evaluated 2021-08-12.

Conditions:
Walker-Warburg congenital muscular dystrophy. Also called: Muscular dystrophy-dystroglycanopathy, type A; Walker-Warburg syndrome. Identifiers: Orphanet 899, MedGen C0265221, MONDO:0000171.

gnomAD v4.1: 2 of 1,610,672 alleles (0.00012%); highest among the groups gnomAD compares: Admixed American, 0.0034%; no homozygotes.

Submissions (2):

Labcorp Genetics (formerly Invitae), Labcorp
Classification: Uncertain significance for Walker-Warburg congenital muscular dystrophy. Last evaluated: 2021-08-12. Review status: criteria provided, single submitter. Criteria: Invitae Variant Classification Sherloc (09022015). Collection method: clinical testing. Allele origin: germline.
Comment: This sequence change replaces alanine with proline at codon 381 of the FKRP protein (p.Ala381Pro). The alanine residue is moderately conserved and there is a small physicochemical difference between alanine and proline. This variant is not present in population databases (ExAC no frequency). This missense change has been observed in individual(s) with clinical features of FKRP-related conditions (Invitae). Algorithms developed to predict the effect of missense changes on protein structure and function are either unavailable or do not agree on the potential impact of this missense change (SIFT: "Tolerated"; PolyPhen-2: "Probably Damaging"; Align-GVGD: "Class C0"). In summary, the available evidence is currently insufficient to determine the role of this variant in disease. Therefore, it has been classified as a Variant of Uncertain Significance.

Kariminejad - Najmabadi Pathology & Genetics Center
Classification: Uncertain significance. Last evaluated: 2017-02-13. Review status: criteria provided, single submitter. Criteria: ACMG Guidelines, 2015. Collection method: clinical testing. Allele origin: germline. Inheritance: Autosomal recessive inheritance. Affected: yes.
Comment: PM2,PM3_Supporting,PP3